The following is an entry in ClinVar:

NM_004177.5(STX3):c.346C>T (p.Arg116Trp)

Gene: STX3 (syntaxin 3; plus strand). Cytogenetic location: 11q12.1.
Variant type: single nucleotide variant.
Coding change: c.346C>T on transcript NM_004177.5 (MANE Select); coding-DNA position 346, C replaced by T.
Protein change: p.Arg116Trp; replaces arginine 116 with tryptophan.
Molecular consequence: missense variant.
Genome position (GRCh38, 1-based): chr11:59,790,575, C>T. VCF-style: chr11-59790575-C-T. GRCh37 (hg19) VCF-style: chr11-59558048-C-T.
Other names: c.346C>T, p.Arg116Trp (NM_001178040.3); short protein forms R116W.
Identifiers: ClinVar variation 2421587 (VCV002421587.4), dbSNP rs765182865, ClinGen allele CA6020842.
Genomic context (GRCh38, chr11:59,790,575, plus strand): 5'-TTAGGCATGGAGAAGCATATTGAAGAAGATGAGGTCAGGTCATCGGCAGACCTTCGGATT[C>T]GGAAATCCCAGGTAAGACTTTTCCTGGTCTCATGATTAGCTAGTCCAATCTCTTATTGTT-3'
Protein context (NP_004168.1, residues 106-126): EVRSSADLRI[Arg116Trp]KSQHSVLSRK

ClinVar aggregate classification (germline): Uncertain significance (1 of 4 stars; one submission).

Allele frequency attached by ClinVar (database versions not stated): ExAC 0.00002; gnomAD 0.00004; gnomAD exomes 0.00004; TOPMed 0.00005.
gnomAD v4.1: 61 of 1,613,360 alleles (0.0038%); highest among the groups gnomAD compares: Middle Eastern, 0.016%; no homozygotes.

Submission:

Labcorp Genetics (formerly Invitae), Labcorp
Classification: Uncertain significance. Last evaluated: 2023-07-17. Review status: criteria provided, single submitter. Criteria: Invitae Variant Classification Sherloc (09022015). Collection method: clinical testing. Allele origin: germline.
Comment: This sequence change replaces arginine, which is basic and polar, with tryptophan, which is neutral and slightly polar, at codon 116 of the STX3 protein (p.Arg116Trp). This variant is present in population databases (rs765182865, gnomAD 0.004%). This variant has not been reported in the literature in individuals affected with STX3-related conditions. ClinVar contains an entry for this variant (Variation ID: 2421587). An algorithm developed to predict the effect of missense changes on protein structure and function (PolyPhen-2) suggests that this variant is likely to be disruptive. In summary, the available evidence is currently insufficient to determine the role of this variant in disease. Therefore, it has been classified as a Variant of Uncertain Significance.